The following is an entry in ClinVar:

NM_000143.4(FH):c.1467T>C (p.Leu489=)

Gene: FH (fumarate hydratase; minus strand). Cytogenetic location: 1q43.
Variant type: single nucleotide variant.
Coding change: c.1467T>C on transcript NM_000143.4 (MANE Select); coding-DNA position 1467, T replaced by C.
Protein change: p.Leu489=; no amino-acid change (leucine 489 retained).
Molecular consequence: synonymous variant.
Genome position (GRCh38, 1-based): chr1:241,497,894, A>G on the plus strand (T>C on the coding strand, the complement: FH is on the minus strand). VCF-style: chr1-241497894-A-G. GRCh37 (hg19) VCF-style: chr1-241661194-A-G.
Other names: c.1467T>C (NM_000143.3).
Identifiers: ClinVar variation 1159130 (VCV001159130.12), dbSNP rs1573876542, ClinGen allele CA424072642.
Genomic context (GRCh38, chr1:241,497,894, plus strand): 5'-TGGACCCAGCATGTCCTTAGGTTTTACCCATTCGTCAAACTGCTCTGCTGTGAGATAGCC[A>G]AGTTCGATAGCAGTTTCCTTTAAGGTTGATCCATTTTTGTGTGCTGTCTTAGCAATCTTT-3'
Protein context (NP_000134.2, residues 479-499): GSTLKETAIE[Leu489=]GYLTAEQFDE

ClinVar aggregate classification (germline): Likely benign. Review status: criteria provided, multiple submitters, no conflicts (2 of 4 stars). 3 submissions from 3 submitters: Likely benign (2). 1 of the submissions does not count toward it. Last evaluated 2025-05-27.

Conditions:
FH-related disorder. Also called: FH-related condition; FH-related disorders.
Hereditary cancer-predisposing syndrome. Also called: Hereditary neoplastic syndrome; Neoplastic Syndromes, Hereditary; Hereditary Cancer Syndrome; Tumor predisposition. Identifiers: Orphanet 140162, MedGen C0027672, MeSH D009386, MONDO:0015356.

Submissions (3):

Labcorp Genetics (formerly Invitae), Labcorp
Classification: Likely benign. Last evaluated: 2025-05-27. Review status: criteria provided, single submitter. Criteria: Invitae Variant Classification Sherloc (09022015). Collection method: clinical testing. Allele origin: germline.

Ambry Genetics
Classification: Likely benign for Hereditary cancer-predisposing syndrome. Last evaluated: 2025-01-20. Review status: criteria provided, single submitter. Criteria: Ambry Variant Classification Scheme 2023. Collection method: clinical testing. Allele origin: germline.

PreventionGenetics, part of Exact Sciences
Classification: Likely benign for FH-related condition. Last evaluated: 2024-01-21. Review status: no assertion criteria provided. Collection method: clinical testing. Allele origin: germline. Not counted in ClinVar's aggregate classification.
Comment: This variant is classified as likely benign based on ACMG/AMP sequence variant interpretation guidelines (Richards et al. 2015 PMID: 25741868, with internal and published modifications).